The following is an entry in ClinVar:

NM_005518.4(HMGCS2):c.1220T>C (p.Ile407Thr)

Gene: HMGCS2 (3-hydroxy-3-methylglutaryl-CoA synthase 2; minus strand). Cytogenetic location: 1p12.
Variant type: single nucleotide variant.
Coding change: c.1220T>C on transcript NM_005518.4 (MANE Select); coding-DNA position 1220, T replaced by C.
Protein change: p.Ile407Thr; replaces isoleucine 407 with threonine.
Molecular consequence: missense variant.
Genome position (GRCh38, 1-based): chr1:119,753,354, A>G on the plus strand (T>C on the coding strand, the complement: HMGCS2 is on the minus strand). VCF-style: chr1-119753354-A-G. GRCh37 (hg19) VCF-style: chr1-120295977-A-G.
Other names: c.1094T>C, p.Ile365Thr (NM_001166107.1); short protein forms I365T, I407T.
Identifiers: ClinVar variation 1403022 (VCV001403022.5), dbSNP rs766898190, ClinGen allele CA1037623.

ClinVar aggregate classification (germline): Uncertain significance (1 of 4 stars; one submission).

Conditions:
3-hydroxy-3-methylglutaryl-CoA synthase deficiency (HMGCS2D). Also called: HMGCS2 DEFICIENCY; HMG-CoA synthase-2 deficiency; MITOCHONDRIAL HMG-CoA SYNTHASE DEFICIENCY. Identifiers: Orphanet 35701, MedGen C2751532, MONDO:0011614, OMIM 605911.

Allele frequency attached by ClinVar (database versions not stated): ExAC 0.00002; gnomAD exomes 0.00002.

Submission:

Labcorp Genetics (formerly Invitae), Labcorp
Classification: Uncertain significance for 3-hydroxy-3-methylglutaryl-CoA synthase deficiency. Last evaluated: 2022-02-24. Review status: criteria provided, single submitter. Criteria: Invitae Variant Classification Sherloc (09022015). Collection method: clinical testing. Allele origin: germline.
Comment: Algorithms developed to predict the effect of missense changes on protein structure and function output the following: SIFT: "Deleterious"; PolyPhen-2: "Benign"; Align-GVGD: "Class C25". The threonine amino acid residue is found in multiple mammalian species, which suggests that this missense change does not adversely affect protein function. This sequence change replaces isoleucine, which is neutral and non-polar, with threonine, which is neutral and polar, at codon 407 of the HMGCS2 protein (p.Ile407Thr). The frequency data for this variant in the population databases is considered unreliable, as metrics indicate poor data quality at this position in the gnomAD database. This missense change has been observed in individual(s) with clinical features of HMG-CoA synthase deficiency (PMID: 25511235). Experimental studies have shown that this missense change affects HMGCS2 function (PMID: 29597274). In summary, the available evidence is currently insufficient to determine the role of this variant in disease. Therefore, it has been classified as a Variant of Uncertain Significance.

Literature cited by the submitters: PubMed 25511235; PubMed 29597274.